The following is an entry in ClinVar:

ClinVar aggregate classification (germline): Uncertain significance (1 of 4 stars; one submission).

Submission:

Labcorp Genetics (formerly Invitae), Labcorp
Classification: Uncertain significance. Last evaluated: 2024-12-24. Review status: criteria provided, single submitter. Criteria: Invitae Variant Classification Sherloc (09022015). Collection method: clinical testing. Allele origin: germline.
Comment: This sequence change falls in intron 9 of the HYOU1 gene. It does not directly change the encoded amino acid sequence of the HYOU1 protein. It affects a nucleotide within the consensus splice site. This variant is not present in population databases (gnomAD no frequency). This variant has not been reported in the literature in individuals affected with HYOU1-related conditions. Variants that disrupt the consensus splice site are a relatively common cause of aberrant splicing (PMID: 17576681, 9536098). Algorithms developed to predict the effect of sequence changes on RNA splicing suggest that this variant is not likely to affect RNA splicing. In summary, the available evidence is currently insufficient to determine the role of this variant in disease. Therefore, it has been classified as a Variant of Uncertain Significance.

Literature cited by the submitters: PubMed 17576681; PubMed 9536098.

NM_006389.5(HYOU1):c.987+4_987+13del

Gene: HYOU1 (hypoxia up-regulated 1; minus strand). Cytogenetic location: 11q23.3.
Variant type: Deletion.
Coding change: c.987+4_987+13del on transcript NM_006389.5 (MANE Select); bases 4 to 13 of the intron after coding-DNA position 987, 10 bases deleted (CCCACAAGTG; older notation c.987+4_987+13delCCCACAAGTG).
Molecular consequence: splice donor variant.
Genome position (GRCh38, 1-based): chr11:119,052,624-119,052,633, CACTTGTGGG deleted on the plus strand (CCCACAAGTG on the coding strand, the reverse complement: HYOU1 is on the minus strand); deleting any 10 consecutive bases within chr11:119,052,624-119,052,636 gives the same sequence; the c. name uses the placement nearest the transcript's 3' end. VCF-style (leftmost placement, unchanged base first): chr11-119052623-CCACTTGTGGG-C. GRCh37 (hg19) VCF-style: chr11-118923335-CCACTTGTGGG-C.
Other names: c.987+4_987+13del (NM_001130991.3, NM_001411041.1).
Identifiers: ClinVar variation 3683168 (VCV003683168.2).
Genomic context (GRCh38, chr11:119,052,623, plus strand): 5'-GCCCAGTTCAGTGGCAGGGTCCCCCACCCTCTACGTGGGACAAAATATAGCCTCAACCAG[CCACTTGTGGG>C]CACCTGTGCCATGTGGTCAGCGTTGGCACTGAGGACGGTTTTGAGCCGATTAGCCTCACG-3'